The following is an entry in ClinVar:

NM_000059.4(BRCA2):c.9047C>A (p.Ser3016Tyr)

Gene: BRCA2 (BRCA2 DNA repair associated; plus strand). Cytogenetic location: 13q13.1.
Variant type: single nucleotide variant.
Coding change: c.9047C>A on transcript NM_000059.4 (MANE Select); coding-DNA position 9047, C replaced by A.
Protein change: p.Ser3016Tyr; replaces serine 3016 with tyrosine.
Molecular consequence: missense variant. On other transcripts: non-coding transcript variant (1).
Genome position (GRCh38, 1-based): chr13:32,379,843, C>A. VCF-style: chr13-32379843-C-A. GRCh37 (hg19) VCF-style: chr13-32953980-C-A.
Other names: c.8951C>A, p.Ser2984Tyr (NM_001406719.1); c.8996C>A, p.Ser2999Tyr (NM_001406720.1); c.4115C>A, p.Ser1372Tyr (NM_001406721.1); c.2630C>A, p.Ser877Tyr (NM_001406722.1); c.9047C>A, p.Ser3016Tyr (NM_001432077.1); short protein forms S1372Y, S3016Y, S877Y, S2984Y, S2999Y.
Identifiers: ClinVar variation 4826890 (VCV004826890.2).
Genomic context (GRCh38, chr13:32,379,843, plus strand): 5'-TATATTCTCTGTTAACAGAAGGAAAGAGATACAGAATTTATCATCTTGCAACTTCAAAAT[C>A]TAAAAGTAAATCTGAAAGAGCTAACATACAGTTAGCAGCGACAAAAAAAACTCAGTATCA-3'
Protein context (NP_000050.3, residues 3006-3026): YRIYHLATSK[Ser3016Tyr]KSKSERANIQ

ClinVar aggregate classification (germline): Likely benign. Review status: criteria provided, multiple submitters, no conflicts (2 of 4 stars). 2 submissions from 2 submitters: Likely benign (2). Last evaluated 2026-05-01.

Conditions:
Breast-ovarian cancer, familial, susceptibility to, 2 (BROVCA2). Also called: BRCA2 Hereditary Breast and Ovarian Cancer. Identifiers: Orphanet 145, MedGen C2675520, MONDO:0012933, OMIM 612555. Disease mechanism: loss of function.
Hereditary cancer-predisposing syndrome. Also called: Neoplastic Syndromes, Hereditary; Tumor predisposition; Hereditary neoplastic syndrome; Hereditary Cancer Syndrome. Identifiers: Orphanet 140162, MedGen C0027672, MeSH D009386, MONDO:0015356.

Submissions (2):

Cancer Bioinformatics and Tumour Evolution Laboratory, Monash University
Classification: Likely benign for Breast-ovarian cancer, familial, susceptibility to, 2. Last evaluated: 2026-05-01. Review status: criteria provided, single submitter. Criteria: ClinGen BRCA1 and BRCA2 Guidelines, 2024. Collection method: curation. Allele origin: germline. Inheritance: Autosomal dominant inheritance.
Comment: The variant is in a functional domain (DNA Binding Domain). The BayesDel score is 0.0364708, which means no deleterious impact is predicted. Hence, BP4 is applied. PMID: 39281752 - A large scale study to determine the case-control LR of BRCA1 and BRCA2 variants. The data was consolidated in the ccLR browser. This variant was found in the browser with a LR of 0.861791114 which is in the no evidence range according to the BRCA1 and BRCA2 VCEP. Hence, no evidence code is applied. PMID: 39779857 - SGE on human haploid HAP1 cells. This variant was found to be strongly benign in the HDR assay. All missenses in this codon were benign. Hence, BS3 is applied.

Ambry Genetics
Classification: Likely benign for Hereditary cancer-predisposing syndrome. Last evaluated: 2026-03-11. Review status: criteria provided, single submitter. Criteria: Ambry Variant Classification Scheme 2023. Collection method: clinical testing. Allele origin: germline.

Literature cited by the submitters: PubMed 39281752 (cited by Cancer Bioinformatics and Tumour Evolution Laboratory, Monash University); PubMed 39779857 (cited by Cancer Bioinformatics and Tumour Evolution Laboratory, Monash University).